The following is an entry in ClinVar:

ClinVar aggregate classification (germline): Uncertain significance (0 of 4 stars; one submission).

Conditions:
RTEL1-related disorder. Also called: RTEL1-related condition; RTEL1-related disorders.

gnomAD v4.1: 8 of 1,559,774 alleles (0.00051%); highest among the groups gnomAD compares: South Asian, 0.0097%; no homozygotes.

Submission:

PreventionGenetics, part of Exact Sciences
Classification: Uncertain significance for RTEL1-related condition. Last evaluated: 2024-08-06. Review status: no assertion criteria provided. Collection method: clinical testing. Allele origin: germline.
Comment: The RTEL1 c.3653G>A variant is predicted to result in the amino acid substitution p.Gly1218Glu. To our knowledge, this variant has not been reported in the literature. This variant is reported in 0.019% of alleles in individuals of South Asian descent in gnomAD. At this time, the clinical significance of this variant is uncertain due to the absence of conclusive functional and genetic evidence.

NM_001283009.2(RTEL1):c.3581G>A (p.Gly1194Glu)

Genes: RTEL1 (regulator of telomere elongation helicase 1; plus strand), RTEL1-TNFRSF6B (RTEL1-TNFRSF6B readthrough (NMD candidate); plus strand). Cytogenetic location: 20q13.33.
Variant type: single nucleotide variant.
Coding change: c.3581G>A on transcript NM_001283009.2 (MANE Select); coding-DNA position 3581, G replaced by A.
Protein change: p.Gly1194Glu; replaces glycine 1194 with glutamic acid.
Molecular consequence: missense variant. On other transcripts: non-coding transcript variant (1).
Genome position (GRCh38, 1-based): chr20:63,695,409, G>A. VCF-style: chr20-63695409-G-A. GRCh37 (hg19) VCF-style: chr20-62326762-G-A.
Other names: c.2912G>A, p.Gly971Glu (NM_001283010.1); c.3581G>A, p.Gly1194Glu (NM_016434.4); c.3653G>A, p.Gly1218Glu (NM_032957.5); short protein forms G1194E, G1218E, G971E.
Identifiers: ClinVar variation 3346368 (VCV003346368.1).